The following is an entry in ClinVar:

ClinVar aggregate classification (germline): Uncertain significance (1 of 4 stars; one submission).

Conditions:
Familial cold autoinflammatory syndrome 3 (FCAS3). Also called: FAMILIAL ATYPICAL COLD URTICARIA; ANTIBODY DEFICIENCY AND IMMUNE DYSREGULATION, PLCG2-ASSOCIATED. Identifiers: Orphanet 300359, MedGen C3280914, MONDO:0013766, OMIM 614468.

Allele frequency attached by ClinVar (database versions not stated): gnomAD exomes below 0.00001; TOPMed 0.00001.
gnomAD v4.1: 1 of 1,608,324 alleles (0.000062%); highest among the groups gnomAD compares: Admixed American, 0.0017%; no homozygotes.

Submission:

Labcorp Genetics (formerly Invitae), Labcorp
Classification: Uncertain significance for Familial cold autoinflammatory syndrome 3. Last evaluated: 2024-05-19. Review status: criteria provided, single submitter. Criteria: Invitae Variant Classification Sherloc (09022015). Collection method: clinical testing. Allele origin: germline.
Comment: This sequence change replaces serine, which is neutral and polar, with phenylalanine, which is neutral and non-polar, at codon 576 of the PLCG2 protein (p.Ser576Phe). This variant is not present in population databases (gnomAD no frequency). This variant has not been reported in the literature in individuals affected with PLCG2-related conditions. An algorithm developed to predict the effect of missense changes on protein structure and function (PolyPhen-2) suggests that this variant is likely to be disruptive. In summary, the available evidence is currently insufficient to determine the role of this variant in disease. Therefore, it has been classified as a Variant of Uncertain Significance.

NM_002661.5(PLCG2):c.1727C>T (p.Ser576Phe)

Gene: PLCG2 (phospholipase C gamma 2; plus strand). Cytogenetic location: 16q23.3.
Variant type: single nucleotide variant.
Coding change: c.1727C>T on transcript NM_002661.5 (MANE Select); coding-DNA position 1727, C replaced by T.
Protein change: p.Ser576Phe; replaces serine 576 with phenylalanine.
Molecular consequence: missense variant.
Genome position (GRCh38, 1-based): chr16:81,908,585, C>T. VCF-style: chr16-81908585-C-T. GRCh37 (hg19) VCF-style: chr16-81942190-C-T.
Other names: c.1727C>T, p.Ser576Phe (NM_001425749.1, NM_001425750.1, NM_001425751.1); short protein forms S576F.
Identifiers: ClinVar variation 2996171 (VCV002996171.3), dbSNP rs909418452, ClinGen allele CA285151387.